The following is an entry in ClinVar:

ClinVar aggregate classification (germline): Uncertain significance (1 of 4 stars; one submission).

Conditions:
Hereditary cancer-predisposing syndrome. Also called: Neoplastic Syndromes, Hereditary; Tumor predisposition; Hereditary Cancer Syndrome; Hereditary neoplastic syndrome. Identifiers: Orphanet 140162, MedGen C0027672, MeSH D009386, MONDO:0015356.

Submission:

Ambry Genetics
Classification: Uncertain significance for Hereditary cancer-predisposing syndrome. Last evaluated: 2025-11-11. Review status: criteria provided, single submitter. Criteria: Ambry Variant Classification Scheme 2023. Collection method: clinical testing. Allele origin: germline.
Comment: The p.V534M variant (also known as c.1600G>A), located in coding exon 9 of the DICER1 gene, results from a G to A substitution at nucleotide position 1600. The valine at codon 534 is replaced by methionine, an amino acid with highly similar properties. This amino acid position is conserved. In addition, this alteration is predicted to be deleterious by in silico analysis. Based on the available evidence, the clinical significance of this variant remains unclear.

NM_177438.3(DICER1):c.1600G>A (p.Val534Met)

Gene: DICER1 (dicer 1, ribonuclease III; minus strand). Cytogenetic location: 14q32.13.
Variant type: single nucleotide variant.
Coding change: c.1600G>A on transcript NM_177438.3 (MANE Select); coding-DNA position 1600, G replaced by A.
Protein change: p.Val534Met; replaces valine 534 with methionine.
Molecular consequence: missense variant. On other transcripts: non-coding transcript variant (6), intron variant (1).
Genome position (GRCh38, 1-based): chr14:95,116,605, C>T on the plus strand (G>A on the coding strand, the complement: DICER1 is on the minus strand). VCF-style: chr14-95116605-C-T. GRCh37 (hg19) VCF-style: chr14-95582942-C-T.
Other names: c.1600G>A, p.Val534Met (NM_001195573.1, NM_001271282.3, NM_001291628.2 and 12 more transcripts); c.1318G>A, p.Val440Met (NM_001395686.1); c.1195G>A, p.Val399Met (NM_001395687.1, NM_001395688.1, NM_001395689.1 and 3 more transcripts); c.1033G>A, p.Val345Met (NM_001395691.1); c.-59-25G>A (NM_001395697.1); short protein forms V440M, V534M, V345M, V399M.
Identifiers: ClinVar variation 4637570 (VCV004637570.1).
Genomic context (GRCh38, chr14:95,116,605, plus strand): 5'-TTGCTCTTCCTTTAGATTGAACATAGGATCGATATTCTGTGGGCAAATCAAAACGAACCA[C>T]CAAGTTGCATTTTGGTATATCAACACCCTCTTCTACAATACTTGTTGCAATAAGCAGGTT-3'
Protein context (NP_803187.1, residues 524-544): EGVDIPKCNL[Val534Met]VRFDLPTEYR